The following is an entry in ClinVar:

ClinVar aggregate classification (germline): Uncertain significance (1 of 4 stars; one submission).

Allele frequency attached by ClinVar (database versions not stated): TOPMed 0.00002.
gnomAD v4.1: 8 of 1,613,400 alleles (0.0005%); highest among the groups gnomAD compares: East Asian, 0.0022%; no homozygotes.

Submission:

Labcorp Genetics (formerly Invitae), Labcorp
Classification: Uncertain significance. Last evaluated: 2024-02-24. Review status: criteria provided, single submitter. Criteria: Invitae Variant Classification Sherloc (09022015). Collection method: clinical testing. Allele origin: germline.
Comment: This sequence change replaces alanine, which is neutral and non-polar, with threonine, which is neutral and polar, at codon 560 of the ADAMTS18 protein (p.Ala560Thr). This variant is present in population databases (no rsID available, gnomAD 0.006%). This variant has not been reported in the literature in individuals affected with ADAMTS18-related conditions. ClinVar contains an entry for this variant (Variation ID: 1024738). An algorithm developed to predict the effect of missense changes on protein structure and function (PolyPhen-2) suggests that this variant is likely to be disruptive. In summary, the available evidence is currently insufficient to determine the role of this variant in disease. Therefore, it has been classified as a Variant of Uncertain Significance.

NM_199355.4(ADAMTS18):c.1678G>A (p.Ala560Thr)

Gene: ADAMTS18 (ADAM metallopeptidase with thrombospondin type 1 motif 18; minus strand). Cytogenetic location: 16q23.1.
Variant type: single nucleotide variant.
Coding change: c.1678G>A on transcript NM_199355.4 (MANE Select); coding-DNA position 1678, G replaced by A.
Protein change: p.Ala560Thr; replaces alanine 560 with threonine.
Molecular consequence: missense variant.
Genome position (GRCh38, 1-based): chr16:77,341,736, C>T on the plus strand (G>A on the coding strand, the complement: ADAMTS18 is on the minus strand). VCF-style: chr16-77341736-C-T. GRCh37 (hg19) VCF-style: chr16-77375633-C-T.
Other names: c.1162G>A, p.Ala388Thr (NM_001326358.2); short protein forms A388T, A560T.
Identifiers: ClinVar variation 1024738 (VCV001024738.6), dbSNP rs969622629, ClinGen allele CA284414971.